The following is an entry in ClinVar:

NM_000455.5(STK11):c.608C>T (p.Pro203Leu)

Gene: STK11 (serine/threonine kinase 11; plus strand). Cytogenetic location: 19p13.3.
Variant type: single nucleotide variant.
Coding change: c.608C>T on transcript NM_000455.5 (MANE Select); coding-DNA position 608, C replaced by T.
Protein change: p.Pro203Leu; replaces proline 203 with leucine.
Molecular consequence: missense variant.
Genome position (GRCh38, 1-based): chr19:1,220,591, C>T. VCF-style: chr19-1220591-C-T. GRCh37 (hg19) VCF-style: chr19-1220590-C-T.
Other names: short protein forms P203L.
Identifiers: ClinVar variation 142317 (VCV000142317.29), dbSNP rs587782379, ClinGen allele CA023131.

ClinVar aggregate classification (germline): Conflicting classifications of pathogenicity. Review status: criteria provided, conflicting classifications (1 of 4 stars). 8 submissions from 8 submitters: Uncertain significance (6); Benign (1); Likely benign (1). Last evaluated 2026-01-11.

Conditions:
Familial pancreatic carcinoma. Identifiers: Orphanet 1333, MedGen C2931038, MONDO:0015278, OMIM 260350.
Peutz-Jeghers syndrome (PJS). Also called: Peutz-Jeghers polyposis; Periorificial lentiginosis syndrome; POLYPOSIS, HAMARTOMATOUS INTESTINAL; POLYPS-AND-SPOTS SYNDROME. Identifiers: Orphanet 2869, MedGen C0031269, MeSH D010580, MONDO:0008280, OMIM 175200.
Melanoma, cutaneous malignant, susceptibility to, 1 (CMM1). Also called: MELANOMA, MALIGNANT; DYSPLASTIC NEVUS SYNDROME, HEREDITARY; FAMILIAL ATYPICAL MOLE-MALIGNANT MELANOMA SYNDROME; B-K MOLE SYNDROME. Identifiers: Orphanet 618, MedGen C1835047, MONDO:0007963, OMIM 155600.
Germ cell tumor of testis (TGCT). Also called: GERM CELL TUMOR, SOMATIC; Testicular germ cell tumor. Identifiers: Orphanet 363504, MedGen C1336708, MONDO:0010108, OMIM 273300.
Hereditary cancer-predisposing syndrome. Also called: Neoplastic Syndromes, Hereditary; Hereditary Cancer Syndrome; Hereditary neoplastic syndrome; Tumor predisposition. Identifiers: Orphanet 140162, MedGen C0027672, MeSH D009386, MONDO:0015356.

Allele frequency attached by ClinVar (database versions not stated): gnomAD 0.00002; gnomAD exomes 0.00002; TOPMed 0.00002; ExAC 0.00009.
gnomAD v4.1: 61 of 1,585,902 alleles (0.0038%); highest among the groups gnomAD compares: Non-Finnish European, 0.0045%; no homozygotes.

Submissions (8):

Labcorp Genetics (formerly Invitae), Labcorp
Classification: Benign for Peutz-Jeghers syndrome. Last evaluated: 2026-01-11. Review status: criteria provided, single submitter. Criteria: Invitae Variant Classification Sherloc (09022015). Collection method: clinical testing. Allele origin: germline.

All of Us Research Program, National Institutes of Health
Classification: Uncertain significance for Peutz-Jeghers syndrome. Last evaluated: 2024-09-27. Review status: criteria provided, single submitter. Criteria: ACMG Guidelines, 2015. Collection method: clinical testing. Allele origin: germline. Inheritance: Autosomal dominant inheritance. Observed: 6 variant alleles, 6 heterozygotes.
Comment: This missense variant replaces proline with leucine at codon 203 of the STK11 protein. Computational prediction suggests that this variant may not impact protein structure and function (internally defined REVEL score threshold <= 0.5, PMID: 27666373). To our knowledge, functional studies have not been reported for this variant. This variant has not been reported in individuals affected with hereditary cancer in the literature, but has been observed in control individuals (PMID: 30287823, 32980694). This variant has been identified in 4/204582 chromosomes in the general population by the Genome Aggregation Database (gnomAD). The available evidence is insufficient to determine the role of this variant in disease conclusively. Therefore, this variant is classified as a Variant of Uncertain Significance.

This study involves interpretation of variants in research participants for the purpose of population health screening. Participant phenotype was not available at the time of variant classification. Additional details can be found in publication PMID: 35346344, PMCID: PMC8962531

Color Diagnostics, LLC DBA Color Health
Classification: Uncertain significance for Hereditary cancer-predisposing syndrome. Last evaluated: 2024-06-14. Review status: criteria provided, single submitter. Criteria: ACMG Guidelines, 2015. Collection method: clinical testing. Allele origin: germline.
Comment: This missense variant replaces proline with leucine at codon 203 of the STK11 protein. Computational prediction suggests that this variant may not impact protein structure and function. To our knowledge, functional studies have not been reported for this variant. This variant has not been reported in individuals affected with hereditary cancer in the literature but has been observed in control individuals (PMID: 30287823, 32980694). This variant has been identified in 4/204582 chromosomes in the general population by the Genome Aggregation Database (gnomAD). The available evidence is insufficient to determine the role of this variant in disease conclusively. Therefore, this variant is classified as a Variant of Uncertain Significance.

GeneDx
Classification: Uncertain significance. Last evaluated: 2023-05-16. Review status: criteria provided, single submitter. Criteria: GeneDx Variant Classification Process June 2021. Collection method: clinical testing. Allele origin: germline. Affected: yes.
Comment: Not observed at significant frequency in large population cohorts (gnomAD); In silico analysis supports that this missense variant does not alter protein structure/function; Not observed in any cases, but was observed in the unaffected controls in a breast cancer study (Momozawa et al., 2018); This variant is associated with the following publications: (PMID: 30287823, 15863673)

Department of Pathology and Laboratory Medicine, Sinai Health System
Classification: Uncertain significance for Melanoma, cutaneous malignant, susceptibility to, 1; Peutz-Jeghers syndrome; Familial pancreatic carcinoma; Germ cell tumor of testis. Last evaluated: 2022-08-05. Review status: criteria provided, single submitter. Criteria: ACMG Guidelines, 2015. Collection method: clinical testing. Allele origin: germline. Affected: no.

Ambry Genetics
Classification: Likely benign for Hereditary cancer-predisposing syndrome. Last evaluated: 2021-12-30. Review status: criteria provided, single submitter. Criteria: Ambry Variant Classification Scheme 2023. Collection method: clinical testing. Allele origin: germline.

Genome-Nilou Lab
Classification: Uncertain significance for Peutz-Jeghers syndrome. Last evaluated: 2021-07-15. Review status: criteria provided, single submitter. Criteria: ACMG Guidelines, 2015. Collection method: clinical testing. Allele origin: germline. Affected: no.

Quest Diagnostics Nichols Institute San Juan Capistrano
Classification: Uncertain significance. Last evaluated: 2019-02-04. Review status: criteria provided, single submitter. Criteria: Quest Diagnostics criteria. Collection method: clinical testing. Allele origin: germline.

Literature cited by the submitters: PubMed 30287823 (cited by 4 submitters); PubMed 32980694 (cited by All of Us Research Program, National Institutes of Health and Color Diagnostics, LLC DBA Color Health).